The following is an entry in ClinVar:

ClinVar aggregate classification (germline): Likely pathogenic (1 of 4 stars; one submission).

Submission:

Dasa
Classification: Likely pathogenic. Last evaluated: 2024-10-24. Review status: criteria provided, single submitter. Criteria: DASA Assertion Criteria. Collection method: clinical testing. Allele origin: germline.
Comment: NM_017534.6(MYH2):c.3811G>T (p.Glu1271*) is a nonsense variant in MYH2 predicted to introduce a premature termination codon and is predicted to result in an absent or altered protein product. Loss of function is an established disease mechanism for MYH2-associated disorders. Also, this variant is absent from population databases. Based on the currently available evidence, this variant is classified as likely pathogenic.

NM_017534.6(MYH2):c.3811G>T (p.Glu1271Ter)

Genes: MYH2 (myosin heavy chain 2; minus strand), MYHAS (myosin heavy chain gene cluster antisense RNA; plus strand). Cytogenetic location: 17p13.1.
Variant type: single nucleotide variant.
Coding change: c.3811G>T on transcript NM_017534.6 (MANE Select); coding-DNA position 3811, G replaced by T.
Protein change: p.Glu1271Ter; replaces glutamic acid 1271 with a stop codon.
Molecular consequence: nonsense.
Genome position (GRCh38, 1-based): chr17:10,527,808, C>A on the plus strand (G>T on the coding strand, the complement: MYH2 is on the minus strand). VCF-style: chr17-10527808-C-A. GRCh37 (hg19) VCF-style: chr17-10431125-C-A.
Other names: c.3811G>T, p.Glu1271Ter (NM_001100112.2); short protein forms E1271*.
Identifiers: ClinVar variation 4884168 (VCV004884168.2).
Genomic context (GRCh38, chr17:10,527,808, plus strand): 5'-CAGATTCAGTCTGCAGGCGCCCCCTCTGCGCAGTCAGGTCATTGATCAGCCGCTGCTGCT[C>A]CTCTTCCTTTGATTTCAGTTCACTCAGTTGGTCCTCTAGAGTCCGGCACATTTTCTCTAG-3'